The following is an entry in ClinVar:

NM_001379110.1(SLC9A6):c.-57+30C>T

Genes: SLC9A6 (solute carrier family 9 member A6; plus strand), LOC130068746 (ATAC-STARR-seq lymphoblastoid silent region 21025; plus strand). Cytogenetic location: Xq26.3.
Variant type: single nucleotide variant.
Coding change: c.-57+30C>T on transcript NM_001379110.1 (MANE Select); 30 bases into the intron after 57 bases upstream of the start codon, C replaced by T.
Molecular consequence: intron variant. On other transcripts: missense variant (2).
Genome position (GRCh38, 1-based): chrX:135,985,507, C>T. VCF-style: chrX-135985507-C-T. GRCh37 (hg19) VCF-style: chrX-135067666-C-T.
Other names: c.5C>T, p.Ala2Val (NM_001042537.2, NM_006359.3); c.-57+30C>T (NM_001177651.2); c.-57+35C>T (NM_001330652.2); short protein forms A2V.
Identifiers: ClinVar variation 624444 (VCV000624444.50), dbSNP rs1334602422, ClinGen allele CA414606331.
Genomic context (GRCh38, chrX:135,985,507, plus strand): 5'-AGTGGTCCGACCGCGGGCGGCCGCCGGTGAGGTAGGGGCGGGAGGCGGGGGGAGACATGG[C>T]TCGGCGCGGCTGGCGGCGGGCACCCCTCCGCCGTGGCGTCGGCAGCAGTCCCCGAGCCCG-3'

ClinVar aggregate classification (germline): Uncertain significance. Review status: criteria provided, multiple submitters, no conflicts (2 of 4 stars). 3 submissions from 3 submitters: Uncertain significance (3). Last evaluated 2025-04-14.

Conditions:
Christianson syndrome (MRXSCH). Also called: SLC9A6-Related Syndromic Mental Retardation; INTELLECTUAL DEVELOPMENTAL DISORDER, X-LINKED, SYNDROMIC, CHRISTIANSON TYPE; X-linked mental retardation, syndromic, Christianson type. Identifiers: Orphanet 85278, MedGen C2678194, MONDO:0010278, OMIM 300243.

Allele frequency attached by ClinVar (database versions not stated): gnomAD exomes 0.00001; gnomAD 0.00002; TOPMed 0.00002.
gnomAD v4.1: 10 of 1,100,428 alleles (0.00091%); highest among the groups gnomAD compares: South Asian, 0.0022%; no homozygotes.

Submissions (3):

Labcorp Genetics (formerly Invitae), Labcorp
Classification: Uncertain significance for Christianson syndrome. Last evaluated: 2025-04-14. Review status: criteria provided, single submitter. Criteria: Invitae Variant Classification Sherloc (09022015). Collection method: clinical testing. Allele origin: germline.
Comment: This sequence change replaces alanine, which is neutral and non-polar, with valine, which is neutral and non-polar, at codon 2 of the SLC9A6 protein (p.Ala2Val). This variant is not present in population databases (gnomAD no frequency). This variant has not been reported in the literature in individuals affected with SLC9A6-related conditions. ClinVar contains an entry for this variant (Variation ID: 624444). Experimental studies and prediction algorithms are not available or were not evaluated, and the functional significance of this variant is currently unknown. In summary, the available evidence is currently insufficient to determine the role of this variant in disease. Therefore, it has been classified as a Variant of Uncertain Significance.

CeGaT Center for Human Genetics Tuebingen
Classification: Uncertain significance. Last evaluated: 2018-08-01. Review status: criteria provided, single submitter. Criteria: CeGaT Center For Human Genetics Tuebingen Variant Classification Criteria Version 2. Collection method: clinical testing. Allele origin: germline. Affected: yes. Observed: 2 variant alleles.

Blueprint Genetics
Classification: Uncertain significance. Last evaluated: 2018-05-30. Review status: criteria provided, single submitter. Criteria: ACMG Guidelines, 2015. Collection method: clinical testing. Allele origin: germline.